The following is an entry in ClinVar:

NM_006231.4(POLE):c.5176T>A (p.Cys1726Ser)

Gene: POLE (DNA polymerase epsilon, catalytic subunit; minus strand). Cytogenetic location: 12q24.33.
Variant type: single nucleotide variant.
Coding change: c.5176T>A on transcript NM_006231.4 (MANE Select); coding-DNA position 5176, T replaced by A.
Protein change: p.Cys1726Ser; replaces cysteine 1726 with serine.
Molecular consequence: missense variant.
Genome position (GRCh38, 1-based): chr12:132,641,849, A>T on the plus strand (T>A on the coding strand, the complement: POLE is on the minus strand). VCF-style: chr12-132641849-A-T. GRCh37 (hg19) VCF-style: chr12-133218435-A-T.
Other names: short protein forms C1726S.
Identifiers: ClinVar variation 653026 (VCV000653026.21), dbSNP rs1593728320, ClinGen allele CA387376541.

ClinVar aggregate classification (germline): Uncertain significance. Review status: criteria provided, multiple submitters, no conflicts (2 of 4 stars). 3 submissions from 3 submitters: Uncertain significance (3). Last evaluated 2025-03-10.

Conditions:
Hereditary cancer-predisposing syndrome. Also called: Neoplastic Syndromes, Hereditary; Tumor predisposition; Hereditary Cancer Syndrome; Hereditary neoplastic syndrome. Identifiers: Orphanet 140162, MedGen C0027672, MeSH D009386, MONDO:0015356.

Allele frequency attached by ClinVar (database versions not stated): TOPMed below 0.00001.

Submissions (3):

Labcorp Genetics (formerly Invitae), Labcorp
Classification: Uncertain significance. Last evaluated: 2025-03-10. Review status: criteria provided, single submitter. Criteria: Invitae Variant Classification Sherloc (09022015). Collection method: clinical testing. Allele origin: germline.
Comment: This sequence change replaces cysteine, which is neutral and slightly polar, with serine, which is neutral and polar, at codon 1726 of the POLE protein (p.Cys1726Ser). This variant is not present in population databases (gnomAD no frequency). This variant has not been reported in the literature in individuals affected with POLE-related conditions. ClinVar contains an entry for this variant (Variation ID: 653026). Invitae Evidence Modeling of protein sequence and biophysical properties (such as structural, functional, and spatial information, amino acid conservation, physicochemical variation, residue mobility, and thermodynamic stability) indicates that this missense variant is not expected to disrupt POLE protein function with a negative predictive value of 80%. In summary, the available evidence is currently insufficient to determine the role of this variant in disease. Therefore, it has been classified as a Variant of Uncertain Significance.

Ambry Genetics
Classification: Uncertain significance for Hereditary cancer-predisposing syndrome. Last evaluated: 2024-06-21. Review status: criteria provided, single submitter. Criteria: Ambry Variant Classification Scheme 2023. Collection method: clinical testing. Allele origin: germline.
Comment: The p.C1726S variant (also known as c.5176T>A), located in coding exon 39 of the POLE gene, results from a T to A substitution at nucleotide position 5176. The cysteine at codon 1726 is replaced by serine, an amino acid with dissimilar properties. This amino acid position is conserved. In addition, the in silico prediction for this alteration is inconclusive. Since supporting evidence is limited at this time, the clinical significance of this alteration remains unclear.

ARUP Laboratories, Molecular Genetics and Genomics, ARUP Laboratories
Classification: Uncertain significance. Last evaluated: 2019-11-04. Review status: criteria provided, single submitter. Criteria: ARUP Molecular Germline Variant Investigation Process. Collection method: clinical testing. Allele origin: germline.
Comment: The POLE c.5176T>A; p.Cys1726Ser variant, to our knowledge, is not reported in the medical literature but is reported in ClinVar (Variation ID: 653026). This variant is absent from general population databases (Exome Variant Server, Genome Aggregation Database), indicating it is not a common polymorphism. The cysteine at codon 1726 is highly conserved, but computational analyses (SIFT: Tolerated, PolyPhen-2: Possibly Damaging) predict conflicting effects of this variant on protein structure/function. Due to limited information, the clinical significance of this variant is uncertain at this time.